The following is an entry in ClinVar:

ClinVar aggregate classification (germline): Conflicting classifications of pathogenicity. Review status: criteria provided, conflicting classifications (1 of 4 stars). 4 submissions from 4 submitters: Likely pathogenic (3); Uncertain significance (1). Last evaluated 2025-08-25.

Conditions:
Intellectual developmental disorder with impaired language and dysmorphic facies. Identifiers: MedGen C5231444, MONDO:0032851, OMIM 618653.
Inborn genetic diseases. Identifiers: MedGen C0950123, MeSH D030342.

Allele frequency attached by ClinVar (database versions not stated): gnomAD exomes below 0.00001; ExAC 0.00001.
gnomAD v4.1: 1 of 1,613,476 alleles (0.000062%); highest among the groups gnomAD compares: Non-Finnish European, 0.000085%; no homozygotes.

Submissions (4):

Daryl Scott Lab, Baylor College of Medicine
Classification: Likely pathogenic for Intellectual developmental disorder with impaired language and dysmorphic facies. Last evaluated: 2025-08-25. Review status: criteria provided, single submitter. Criteria: ACMG Guidelines, 2015. Collection method: clinical testing. Allele origin: de novo. Affected: yes. Observed: 1 heterozygote.
Comment: PS2, PM2

Ambry Genetics
Classification: Likely pathogenic for Inborn genetic diseases. Last evaluated: 2024-08-09. Review status: criteria provided, single submitter. Criteria: Ambry Variant Classification Scheme 2023. Collection method: clinical testing. Allele origin: germline.
Comment: The c.1156C>T (p.R386C) alteration is located in exon 11 (coding exon 10) of the DDX6 gene. This alteration results from a C to T substitution at nucleotide position 1156, causing the arginine (R) at amino acid position 386 to be replaced by a cysteine (C). This variant was not reported in population-based cohorts in the Genome Aggregation Database (gnomAD). This amino acid position is highly conserved in available vertebrate species. This missense alteration is located in a region that has a low rate of benign missense variation (Lek, 2016; Firth, 2009). This alteration is predicted to be deleterious by in silico analysis. Based on the available evidence, this alteration is classified as likely pathogenic.

CeGaT Center for Human Genetics Tuebingen
Classification: Uncertain significance. Last evaluated: 2023-11-01. Review status: criteria provided, single submitter. Criteria: CeGaT Center For Human Genetics Tuebingen Variant Classification Criteria Version 2. Collection method: clinical testing. Allele origin: germline. Affected: yes. Observed: 1 variant allele.
Comment: DDX6: PM2:Supporting, PP2, PP3

Baylor Genetics
Classification: Likely pathogenic for Intellectual developmental disorder with impaired language and dysmorphic facies. Last evaluated: 2021-03-18. Review status: criteria provided, single submitter. Criteria: ACMG Guidelines, 2015. Collection method: clinical testing. Allele origin: unknown.

NM_004397.6(DDX6):c.1156C>T (p.Arg386Cys)

Gene: DDX6 (DEAD-box helicase 6; minus strand). Cytogenetic location: 11q23.3.
Variant type: single nucleotide variant.
Coding change: c.1156C>T on transcript NM_004397.6 (MANE Select); coding-DNA position 1156, C replaced by T.
Protein change: p.Arg386Cys; replaces arginine 386 with cysteine.
Molecular consequence: missense variant.
Genome position (GRCh38, 1-based): chr11:118,756,278, G>A on the plus strand (C>T on the coding strand, the complement: DDX6 is on the minus strand). VCF-style: chr11-118756278-G-A. GRCh37 (hg19) VCF-style: chr11-118626987-G-A.
Other names: c.1156C>T, p.Arg386Cys (NM_001257191.3); c.1156C>T (NM_004397.4); short protein forms R386C.
Identifiers: ClinVar variation 2441657 (VCV002441657.26), dbSNP rs782274778, ClinGen allele CA6308360.